The following is an entry in ClinVar:

NM_000807.4(GABRA2):c.865A>G (p.Thr289Ala)

Gene: GABRA2 (gamma-aminobutyric acid type A receptor subunit alpha2; minus strand). Cytogenetic location: 4p12.
Variant type: single nucleotide variant.
Coding change: c.865A>G on transcript NM_000807.4 (MANE Select); coding-DNA position 865, A replaced by G.
Protein change: p.Thr289Ala; replaces threonine 289 with alanine.
Molecular consequence: missense variant.
Genome position (GRCh38, 1-based): chr4:46,262,120, T>C on the plus strand (A>G on the coding strand, the complement: GABRA2 is on the minus strand). VCF-style: chr4-46262120-T-C. GRCh37 (hg19) VCF-style: chr4-46264137-T-C.
Other names: c.865A>G, p.Thr289Ala (NM_001114175.3, NM_001330690.2, NM_001377144.1 and 8 more transcripts); c.700A>G, p.Thr234Ala (NM_001286827.3, NM_001377152.1, NM_001377153.1 and 1 more transcripts); short protein forms T234A, T289A.
Identifiers: ClinVar variation 4292829 (VCV004292829.1).

ClinVar aggregate classification (germline): Uncertain significance (1 of 4 stars; one submission).

Conditions:
Developmental and epileptic encephalopathy, 78. Also called: EPILEPTIC ENCEPHALOPATHY, EARLY INFANTILE, 78. Identifiers: MedGen C5231409, MONDO:0032812, OMIM 618557.

Submission:

3billion
Classification: Uncertain significance for Developmental and epileptic encephalopathy, 78. Last evaluated: 2024-12-31. Review status: criteria provided, single submitter. Criteria: ACMG Guidelines, 2015. Collection method: clinical testing. Allele origin: germline. Affected: yes.
Comment: The variant is not observed in the gnomAD v4.1.0 dataset. Predicted Consequence/Location: Missense variant. Missense changes are a common disease-causing mechanism. In silico tool predictions suggest damaging effect of the variant on gene or gene product [REVEL: 0.94 (>=0.6, sensitivity 0.68 and specificity 0.92); 3Cnet: 0.99 (>=0.6, sensitivity 0.72 and precision 0.9)]. Therefore, this variant is classified as VUS according to the recommendation of ACMG/AMP guideline.